The following is an entry in ClinVar:

NM_001148.6(ANK2):c.8920G>T (p.Ala2974Ser)

Gene: ANK2 (ankyrin 2; plus strand). Cytogenetic location: 4q26.
Variant type: single nucleotide variant.
Coding change: c.8920G>T on transcript NM_001148.6 (MANE Select); coding-DNA position 8920, G replaced by T.
Protein change: p.Ala2974Ser; replaces alanine 2974 with serine.
Molecular consequence: missense variant. On other transcripts: intron variant (68).
Genome position (GRCh38, 1-based): chr4:113,357,538, G>T. VCF-style: chr4-113357538-G-T. GRCh37 (hg19) VCF-style: chr4-114278694-G-T.
Other names: c.8686G>T, p.Ala2896Ser (NM_001386142.1); c.5320G>T, p.Ala1774Ser (NM_001386166.1); c.9061G>T, p.Ala3021Ser (NM_001386174.1); c.9037G>T, p.Ala3013Ser (NM_001386175.1); c.4412-3285G>T (NM_001386186.2, NM_001386148.2); c.4214-3285G>T (NM_001354269.3); c.4292-3285G>T (NM_001386187.2); c.4253-3285G>T (NM_001386147.1); and 35 more; short protein forms A1774S, A2896S, A3013S, A2974S, A3021S.
Identifiers: ClinVar variation 1523484 (VCV001523484.6), dbSNP rs2154027979, ClinGen allele CA357935839.

ClinVar aggregate classification (germline): Uncertain significance (1 of 4 stars; one submission).

Conditions:
Long QT syndrome (LQTS). Identifiers: MedGen C0023976, MeSH D008133, MONDO:0002442. Disease mechanism: loss of function. Inheritance: Various modes of inheritance.

Submission:

Labcorp Genetics (formerly Invitae), Labcorp
Classification: Uncertain significance for Long QT syndrome. Last evaluated: 2022-03-21. Review status: criteria provided, single submitter. Criteria: Invitae Variant Classification Sherloc (09022015). Collection method: clinical testing. Allele origin: germline.
Comment: This sequence change replaces alanine, which is neutral and non-polar, with serine, which is neutral and polar, at codon 2974 of the ANK2 protein (p.Ala2974Ser). This variant is not present in population databases (gnomAD no frequency). This variant has not been reported in the literature in individuals affected with ANK2-related conditions. Algorithms developed to predict the effect of missense changes on protein structure and function (SIFT, PolyPhen-2, Align-GVGD) all suggest that this variant is likely to be tolerated. In summary, the available evidence is currently insufficient to determine the role of this variant in disease. Therefore, it has been classified as a Variant of Uncertain Significance.